The following is an entry in ClinVar:

ClinVar aggregate classification (germline): Uncertain significance (1 of 4 stars; one submission).

Submission:

Labcorp Genetics (formerly Invitae), Labcorp
Classification: Uncertain significance. Last evaluated: 2023-03-31. Review status: criteria provided, single submitter. Criteria: Invitae Variant Classification Sherloc (09022015). Collection method: clinical testing. Allele origin: germline.
Comment: This sequence change replaces lysine, which is basic and polar, with glutamic acid, which is acidic and polar, at codon 1460 of the RAI1 protein (p.Lys1460Glu). In summary, the available evidence is currently insufficient to determine the role of this variant in disease. Therefore, it has been classified as a Variant of Uncertain Significance. Advanced modeling of protein sequence and biophysical properties (such as structural, functional, and spatial information, amino acid conservation, physicochemical variation, residue mobility, and thermodynamic stability) performed at Invitae indicates that this missense variant is not expected to disrupt RAI1 protein function. This variant has not been reported in the literature in individuals affected with RAI1-related conditions. This variant is not present in population databases (gnomAD no frequency).

NM_030665.4(RAI1):c.4378A>G (p.Lys1460Glu)

Gene: RAI1 (retinoic acid induced 1; plus strand). Cytogenetic location: 17p11.2.
Variant type: single nucleotide variant.
Coding change: c.4378A>G on transcript NM_030665.4 (MANE Select); coding-DNA position 4378, A replaced by G.
Protein change: p.Lys1460Glu; replaces lysine 1460 with glutamic acid.
Molecular consequence: missense variant.
Genome position (GRCh38, 1-based): chr17:17,797,326, A>G. VCF-style: chr17-17797326-A-G. GRCh37 (hg19) VCF-style: chr17-17700640-A-G.
Other names: short protein forms K1460E.
Identifiers: ClinVar variation 2851314 (VCV002851314.3), dbSNP rs2032297138, ClinGen allele CA398556482.